The following is an entry in ClinVar:

ClinVar aggregate classification (germline): Conflicting classifications of pathogenicity. Review status: criteria provided, conflicting classifications (1 of 4 stars). 4 submissions from 4 submitters: Uncertain significance (3); Likely benign (1). Last evaluated 2026-09-02.

Conditions:
Inborn genetic diseases. Identifiers: MedGen C0950123, MeSH D030342.
Hereditary sensory neuropathy-deafness-dementia syndrome. Also called: HSN IE; NEUROPATHY, HEREDITARY SENSORY, WITH HEARING LOSS AND DEMENTIA; Hereditary Sensory and Autonomic Neuropathy Type 1E (HSAN1E); Hereditary sensory neuropathy type IE. Identifiers: Orphanet 456318, MedGen C3279885, MONDO:0013584, OMIM 614116.
DNMT1-related disorder. Also called: DNMT1-related condition. Identifiers: MedGen CN381527.

Allele frequency attached by ClinVar (database versions not stated): ExAC 0.00007; gnomAD 0.00007; TOPMed 0.00009; ESP Exome Variant Server 0.00015.
gnomAD v4.1: 57 of 1,614,114 alleles (0.0035%); highest among the groups gnomAD compares: Admixed American, 0.005%; no homozygotes.

Submissions (4):

PreventionGenetics, part of Exact Sciences
Classification: Uncertain significance for DNMT1-related condition. Last evaluated: 2026-09-02. Review status: criteria provided, single submitter. Criteria: ACMG Guidelines, 2015. Collection method: clinical testing. Allele origin: germline.
Comment: The DNMT1 c.1987G>A variant is predicted to result in the amino acid substitution p.Ala663Thr. To our knowledge, this variant has not been reported in the literature. This variant is reported in 0.010% of alleles in individuals of European (non-Finnish) descent in gnomAD. Although we suspect that this variant may be benign, at this time, the clinical significance of this variant is uncertain due to the absence of conclusive functional and genetic evidence.

Labcorp Genetics (formerly Invitae), Labcorp
Classification: Uncertain significance for Hereditary sensory neuropathy-deafness-dementia syndrome. Last evaluated: 2025-10-01. Review status: criteria provided, single submitter. Criteria: Invitae Variant Classification Sherloc (09022015). Collection method: clinical testing. Allele origin: germline.
Comment: This sequence change replaces alanine, which is neutral and non-polar, with threonine, which is neutral and polar, at codon 663 of the DNMT1 protein (p.Ala663Thr). This variant is present in population databases (rs146467216, gnomAD 0.009%). This variant has not been reported in the literature in individuals affected with DNMT1-related conditions. ClinVar contains an entry for this variant (Variation ID: 638986). Invitae Evidence Modeling of protein sequence and biophysical properties (such as structural, functional, and spatial information, amino acid conservation, physicochemical variation, residue mobility, and thermodynamic stability) indicates that this missense variant is not expected to disrupt DNMT1 protein function with a negative predictive value of 80%. In summary, the available evidence is currently insufficient to determine the role of this variant in disease. Therefore, it has been classified as a Variant of Uncertain Significance.

GeneDx
Classification: Uncertain significance. Last evaluated: 2023-03-27. Review status: criteria provided, single submitter. Criteria: GeneDx Variant Classification Process June 2021. Collection method: clinical testing. Allele origin: germline. Affected: yes.
Comment: In silico analysis supports that this missense variant does not alter protein structure/function; Has not been previously published as pathogenic or benign to our knowledge

Ambry Genetics
Classification: Likely benign for Inborn genetic diseases. Last evaluated: 2020-05-14. Review status: criteria provided, single submitter. Criteria: Ambry Variant Classification Scheme 2023. Collection method: clinical testing. Allele origin: germline.

NM_001130823.3(DNMT1):c.1987G>A (p.Ala663Thr)

Gene: DNMT1 (DNA methyltransferase 1; minus strand). Cytogenetic location: 19p13.2.
Variant type: single nucleotide variant.
Coding change: c.1987G>A on transcript NM_001130823.3 (MANE Select); coding-DNA position 1987, G replaced by A.
Protein change: p.Ala663Thr; replaces alanine 663 with threonine.
Molecular consequence: missense variant.
Genome position (GRCh38, 1-based): chr19:10,154,325, C>T on the plus strand (G>A on the coding strand, the complement: DNMT1 is on the minus strand). VCF-style: chr19-10154325-C-T. GRCh37 (hg19) VCF-style: chr19-10265001-C-T.
Other names: c.1987G>A (LRG_362t1, NM_001130823.2); c.1939G>A, p.Ala647Thr (NM_001318730.2, NM_001379.4); c.1624G>A, p.Ala542Thr (NM_001318731.2); short protein forms A663T, A542T, A647T.
Identifiers: ClinVar variation 638986 (VCV000638986.12), dbSNP rs146467216, ClinGen allele CA9188159.